The following is an entry in ClinVar:

NM_000170.3(GLDC):c.2063A>C (p.His688Pro)

Gene: GLDC (glycine decarboxylase; minus strand). Cytogenetic location: 9p24.1.
Variant type: single nucleotide variant.
Coding change: c.2063A>C on transcript NM_000170.3 (MANE Select); coding-DNA position 2063, A replaced by C.
Protein change: p.His688Pro; replaces histidine 688 with proline.
Molecular consequence: missense variant.
Genome position (GRCh38, 1-based): chr9:6,556,292, T>G on the plus strand (A>C on the coding strand, the complement: GLDC is on the minus strand). VCF-style: chr9-6556292-T-G. GRCh37 (hg19) VCF-style: chr9-6556292-T-G.
Other names: short protein forms H688P.
Identifiers: ClinVar variation 1466312 (VCV001466312.8), dbSNP rs759659824, ClinGen allele CA372881453.
Genomic context (GRCh38, chr9:6,556,292, plus strand): 5'-TCTTCAAACACCCCATTGGTGGATGGGTATGTAATCATGATAGCTGCTAGGTTCTCCTTG[T>G]GCTTATCCACCTGTGAAAGAAAAGGGGTAGAGAAGGACATGGAGGGAGGATATGTTTCTT-3'
Protein context (NP_000161.2, residues 678-698): AVHLKAMVDK[His688Pro]KENLAAIMIT

ClinVar aggregate classification (germline): Uncertain significance (1 of 4 stars; one submission).

Conditions:
Glycine encephalopathy. Also called: Non-ketotic hyperglycinemia; Nonketotic hyperglycinemia. Identifiers: Orphanet 407, MedGen C0751748, MONDO:0011612, HP:0008288.

Submission:

Labcorp Genetics (formerly Invitae), Labcorp
Classification: Uncertain significance for Glycine encephalopathy. Last evaluated: 2023-10-13. Review status: criteria provided, single submitter. Criteria: Invitae Variant Classification Sherloc (09022015). Collection method: clinical testing. Allele origin: germline.
Comment: This sequence change replaces histidine, which is basic and polar, with proline, which is neutral and non-polar, at codon 688 of the GLDC protein (p.His688Pro). This variant is not present in population databases (gnomAD no frequency). This variant has not been reported in the literature in individuals affected with GLDC-related conditions. ClinVar contains an entry for this variant (Variation ID: 1466312). Advanced modeling of protein sequence and biophysical properties (such as structural, functional, and spatial information, amino acid conservation, physicochemical variation, residue mobility, and thermodynamic stability) performed at Invitae indicates that this missense variant is expected to disrupt GLDC protein function. In summary, the available evidence is currently insufficient to determine the role of this variant in disease. Therefore, it has been classified as a Variant of Uncertain Significance.